The following is an entry in ClinVar:

NM_001903.5(CTNNA1):c.1474dup (p.Glu492fs)

Gene: CTNNA1 (catenin alpha 1; plus strand). Cytogenetic location: 5q31.2.
Variant type: Duplication.
Coding change: c.1474dup on transcript NM_001903.5 (MANE Select); coding-DNA position 1474, one base duplicated (G; older notation c.1474dupG).
Protein change: p.Glu492fs; shifts the reading frame from glutamic acid 492.
Molecular consequence: frameshift variant.
Genome position (GRCh38, 1-based): chr5:138,917,826, G duplicated; the last of 3 consecutive G bases (chr5:138,917,824-138,917,826); duplicating any one gives the same sequence. VCF-style (leftmost placement, unchanged base first): chr5-138917823-T-TG. GRCh37 (hg19) VCF-style: chr5-138253512-T-TG.
Other names: c.1474dup, p.Glu492fs (NM_001290307.3, NM_001323982.2, NM_001323983.1 and 2 more transcripts); c.1165dup, p.Glu389fs (NM_001290309.3); c.1105dup, p.Glu369fs (NM_001290310.3); c.364dup, p.Glu122fs (NM_001290312.1, NM_001323987.1, NM_001323988.1 and 17 more transcripts); c.1381dup, p.Glu461fs (NM_001323986.2); c.25dup, p.Glu9fs (NM_001324006.1, NM_001324007.1, NM_001324008.1 and 2 more transcripts); c.271dup, p.Glu91fs (NM_001324011.1); c.121dup, p.Glu41fs (NM_001324012.1, NM_001324013.1); short protein forms E122fs, E369fs, E389fs, E41fs, E461fs, E492fs, E91fs, E9fs.
Identifiers: ClinVar variation 2431283 (VCV002431283.1), dbSNP rs2533589704, ClinGen allele CA2580072871.
Genomic context (GRCh38, chr5:138,917,823, plus strand): 5'-TTAGCAGCAAAACCACAGAGTAAACTGGCCCAAGAGAACATGGATCTTTTTAAAGAACAA[T>TG]GGGAAAAACAAGTCCGTGTTCTCACAGATGCTGTCGATGACATTACTTCCATTGATGACT-3'

ClinVar aggregate classification (germline): Pathogenic (1 of 4 stars; one submission).

Conditions:
Hereditary diffuse gastric adenocarcinoma (HDGC). Also called: DIFFUSE GASTRIC AND LOBULAR BREAST CANCER SYNDROME. Identifiers: Orphanet 26106, MedGen C1708349, MONDO:0007648, OMIM 137215.

Submission:

Myriad Genetics, Inc.
Classification: Pathogenic for Hereditary diffuse gastric adenocarcinoma. Last evaluated: 2023-01-11. Review status: criteria provided, single submitter. Criteria: Myriad Autosomal Dominant, Autosomal Recessive and X-Linked Classification Criteria (2023). Collection method: clinical testing. Allele origin: unknown.
Comment: This variant is considered pathogenic. This variant creates a frameshift predicted to result in premature protein truncation.